The following is an entry in ClinVar:

NM_003098.3(SNTA1):c.775T>G (p.Ser259Ala)

Gene: SNTA1 (syntrophin alpha 1; minus strand). Cytogenetic location: 20q11.21.
Variant type: single nucleotide variant.
Coding change: c.775T>G on transcript NM_003098.3 (MANE Select); coding-DNA position 775, T replaced by G.
Protein change: p.Ser259Ala; replaces serine 259 with alanine.
Molecular consequence: missense variant.
Genome position (GRCh38, 1-based): chr20:33,412,709, A>C on the plus strand (T>G on the coding strand, the complement: SNTA1 is on the minus strand). VCF-style: chr20-33412709-A-C. GRCh37 (hg19) VCF-style: chr20-32000515-A-C.
Other names: c.775T>G, p.Ser259Ala (NM_001424413.1, NM_001424414.1); short protein forms S259A.
Identifiers: ClinVar variation 2895161 (VCV002895161.4), dbSNP rs1989774960, ClinGen allele CA408631718.

ClinVar aggregate classification (germline): Uncertain significance. Review status: criteria provided, multiple submitters, no conflicts (2 of 4 stars). 2 submissions from 2 submitters: Uncertain significance (2). Last evaluated 2026-07-21.

Conditions:
Long QT syndrome (LQTS). Identifiers: MedGen C0023976, MeSH D008133, MONDO:0002442. Disease mechanism: loss of function. Inheritance: Various modes of inheritance.
Cardiovascular phenotype. Identifiers: MedGen CN230736.

Allele frequency attached by ClinVar (database versions not stated): TOPMed below 0.00001; gnomAD exomes below 0.00001; gnomAD 0.00001.
gnomAD v4.1: 3 of 1,613,308 alleles (0.00019%); highest among the groups gnomAD compares: Non-Finnish European, 0.00025%; no homozygotes.

Submissions (2):

Ambry Genetics
Classification: Uncertain significance for Cardiovascular phenotype. Last evaluated: 2026-07-21. Review status: criteria provided, single submitter. Criteria: Ambry Variant Classification Scheme 2023. Collection method: clinical testing. Allele origin: germline.
Comment: The p.S259A variant (also known as c.775T>G), located in coding exon 4 of the SNTA1 gene, results from a T to G substitution at nucleotide position 775. The serine at codon 259 is replaced by alanine, an amino acid with similar properties. This amino acid position is conserved. In addition, this alteration is predicted to be tolerated by in silico analysis. Based on the available evidence, the clinical significance of this variant remains unclear.

Labcorp Genetics (formerly Invitae), Labcorp
Classification: Uncertain significance for Long QT syndrome. Last evaluated: 2023-12-12. Review status: criteria provided, single submitter. Criteria: Invitae Variant Classification Sherloc (09022015). Collection method: clinical testing. Allele origin: germline.
Comment: This sequence change replaces serine, which is neutral and polar, with alanine, which is neutral and non-polar, at codon 259 of the SNTA1 protein (p.Ser259Ala). This variant is not present in population databases (gnomAD no frequency). This variant has not been reported in the literature in individuals affected with SNTA1-related conditions. Advanced modeling of protein sequence and biophysical properties (such as structural, functional, and spatial information, amino acid conservation, physicochemical variation, residue mobility, and thermodynamic stability) performed at Invitae indicates that this missense variant is not expected to disrupt SNTA1 protein function with a negative predictive value of 80%. In summary, the available evidence is currently insufficient to determine the role of this variant in disease. Therefore, it has been classified as a Variant of Uncertain Significance.